The following is an entry in ClinVar:

ClinVar aggregate classification (germline): Uncertain significance. Review status: criteria provided, multiple submitters, no conflicts (2 of 4 stars). 2 submissions from 2 submitters: Uncertain significance (2). Last evaluated 2025-02-23.

Conditions:
Cardiomyopathy (CMYO). Also called: Cardiomyopathies. Identifiers: Orphanet 167848, MedGen C0878544, MONDO:0004994, HP:0001638. Inheritance: Various modes of inheritance.

Allele frequency attached by ClinVar (database versions not stated): ExAC 0.00001.
gnomAD v4.1: 3 of 1,603,452 alleles (0.00019%); highest among the groups gnomAD compares: Admixed American, 0.0017%; no homozygotes.

Submissions (2):

Color Diagnostics, LLC DBA Color Health
Classification: Uncertain significance for Cardiomyopathy. Last evaluated: 2025-02-23. Review status: criteria provided, single submitter. Criteria: ACMG Guidelines, 2015. Collection method: clinical testing. Allele origin: germline.
Comment: This missense variant replaces alanine with threonine at codon 2665 of the RYR2 protein. Computational prediction is inconclusive regarding the impact of this variant on protein structure and function (internally defined REVEL score threshold 0.5 < inconclusive < 0.7, PMID: 27666373). To our knowledge, functional studies have not been reported for this variant. This variant has not been reported in individuals affected with RYR2-related disorders in the literature. This variant has not been identified in the general population by the Genome Aggregation Database (gnomAD). The available evidence is insufficient to determine the role of this variant in disease conclusively. Therefore, this variant is classified as a Variant of Uncertain Significance.

GeneDx
Classification: Uncertain significance. Last evaluated: 2019-06-04. Review status: criteria provided, single submitter. Criteria: GeneDx Variant Classification Process June 2021. Collection method: clinical testing. Allele origin: germline. Affected: yes.
Comment: Not observed in large population cohorts (Lek et al., 2016); In silico analysis, which includes protein predictors and evolutionary conservation, supports a deleterious effect; Has not been previously published as pathogenic or benign to our knowledge

NM_001035.3(RYR2):c.7993G>A (p.Ala2665Thr)

Gene: RYR2 (ryanodine receptor 2; plus strand). Cytogenetic location: 1q43.
Variant type: single nucleotide variant.
Coding change: c.7993G>A on transcript NM_001035.3 (MANE Select); coding-DNA position 7993, G replaced by A.
Protein change: p.Ala2665Thr; replaces alanine 2665 with threonine.
Molecular consequence: missense variant.
Genome position (GRCh38, 1-based): chr1:237,655,848, G>A. VCF-style: chr1-237655848-G-A. GRCh37 (hg19) VCF-style: chr1-237819148-G-A.
Other names: short protein forms A2665T.
Identifiers: ClinVar variation 1320857 (VCV001320857.3), dbSNP rs781720499, ClinGen allele CA087551.